The following is an entry in ClinVar:

ClinVar aggregate classification (germline): Uncertain significance (1 of 4 stars; one submission).

Conditions:
Cardiovascular phenotype. Identifiers: MedGen CN230736.

gnomAD v4.1: 4 of 1,613,910 alleles (0.00025%); highest among the groups gnomAD compares: Non-Finnish European, 0.00034%; no homozygotes.

Submission:

Ambry Genetics
Classification: Uncertain significance for Cardiovascular phenotype. Last evaluated: 2024-06-27. Review status: criteria provided, single submitter. Criteria: Ambry Variant Classification Scheme 2023. Collection method: clinical testing. Allele origin: germline.
Comment: The p.R2969T variant (also known as c.8906G>C), located in coding exon 26 of the APOB gene, results from a G to C substitution at nucleotide position 8906. The arginine at codon 2969 is replaced by threonine, an amino acid with similar properties. This amino acid position is conserved. In addition, this alteration is predicted to be tolerated by in silico analysis. Based on the available evidence, the clinical significance of this variant remains unclear.

NM_000384.3(APOB):c.8906G>C (p.Arg2969Thr)

Gene: APOB (apolipoprotein B; minus strand). Cytogenetic location: 2p24.1.
Variant type: single nucleotide variant.
Coding change: c.8906G>C on transcript NM_000384.3 (MANE Select); coding-DNA position 8906, G replaced by C.
Protein change: p.Arg2969Thr; replaces arginine 2969 with threonine.
Molecular consequence: missense variant.
Genome position (GRCh38, 1-based): chr2:21,007,962, C>G on the plus strand (G>C on the coding strand, the complement: APOB is on the minus strand). VCF-style: chr2-21007962-C-G. GRCh37 (hg19) VCF-style: chr2-21230834-C-G.
Other names: short protein forms R2969T.
Identifiers: ClinVar variation 3415428 (VCV003415428.1).